The following is an entry in ClinVar:

ClinVar aggregate classification (germline): Likely benign (1 of 4 stars; one submission).

Conditions:
Leigh syndrome (NULS). Also called: Leigh's necrotizing encephalopathy; Leigh's disease; Leigh's syndrome; Leigh Syndrome (mtDNA deletion); Leigh Disease; LEIGH SYNDROME, NUCLEAR. Identifiers: Orphanet 506, MedGen C2931891, MONDO:0009723, OMIM 256000.

Allele frequency attached by ClinVar (database versions not stated): gnomAD 0.02836 and 0.02667; TOPMed 0.03058; gnomAD exomes 0.00231; 1000 Genomes Project 0.03095; 1000 Genomes Project 30x 0.03186.
gnomAD v4.1: 6,060 of 985,130 alleles (0.62%); highest among the groups gnomAD compares: African/African-American, 9.2%; 260 homozygotes.

Submission:

Illumina Laboratory Services, Illumina
Classification: Likely benign for Leigh syndrome. Last evaluated: 2018-01-13. Review status: criteria provided, single submitter. Criteria: ICSL Variant Classification Criteria 13 December 2019. Collection method: clinical testing. Allele origin: germline.
Comment: This variant was observed in the ICSL laboratory as part of a predisposition screen in an ostensibly healthy population. It had not been previously curated by ICSL or reported in the Human Gene Mutation Database (HGMD: prior to June 1st, 2018), and was therefore a candidate for classification through an automated scoring system. Utilizing variant allele frequency, disease prevalence and penetrance estimates, and inheritance mode, an automated score was calculated to assess if this variant is too frequent to cause the disease. Based on the score and internal cut-off values, a variant classified as likely benign is not then subjected to further curation. The score for this variant resulted in a classification of likely benign for this disease.

NM_004376.5(COX15):c.*3661T>C

Genes: COX15 (cytochrome c oxidase assembly factor COX15; minus strand), ENTPD7 (ectonucleoside triphosphate diphosphohydrolase 7; plus strand). Cytogenetic location: 10q24.2.
Variant type: single nucleotide variant.
Coding change: c.*3661T>C on transcript NM_004376.5; 3661 bases downstream of the stop codon, T replaced by C.
Molecular consequence: 3 prime UTR variant (on NM_020354.5). On other transcripts: intron variant (1).
Genome position (GRCh38, 1-based): chr10:99,709,753, A>G on the plus strand (T>C on the coding strand, the complement: COX15 is on the minus strand). VCF-style: chr10-99709753-A-G. GRCh37 (hg19) VCF-style: chr10-101469510-A-G.
Other names: c.*4834T>C (NM_078470.4); c.*5070A>G (NM_001349962.2, NM_001349963.2, NM_020354.5); c.1101+6595T>C (NM_001320974.2).
Identifiers: ClinVar variation 298373 (VCV000298373.7), dbSNP rs73345141, ClinGen allele CA10633086.
Genomic context (GRCh38, chr10:99,709,753, plus strand): 5'-TTTCTGCAGATGGCTTGTTCAAGCTTCATTTTAAGCCTGCTCTGTCTACTTATCTTCCTT[A>G]TATCCTAATAGACTTCTCTTGTGTTATTACACATTTCTCTTTTGCTCTAATATTTCATTA-3'